The following is an entry in ClinVar:

ClinVar aggregate classification (germline): Uncertain significance (1 of 4 stars; one submission).

Conditions:
Hereditary cancer-predisposing syndrome. Also called: Neoplastic Syndromes, Hereditary; Tumor predisposition; Hereditary Cancer Syndrome; Hereditary neoplastic syndrome. Identifiers: Orphanet 140162, MedGen C0027672, MeSH D009386, MONDO:0015356.

Submission:

Ambry Genetics
Classification: Uncertain significance for Hereditary cancer-predisposing syndrome. Last evaluated: 2025-11-25. Review status: criteria provided, single submitter. Criteria: Ambry Variant Classification Scheme 2023. Collection method: clinical testing. Allele origin: germline.
Comment: The p.I722M variant (also known as c.2166T>G), located in coding exon 14 of the CTNNA1 gene, results from a T to G substitution at nucleotide position 2166. The isoleucine at codon 722 is replaced by methionine, an amino acid with highly similar properties. This amino acid position is conserved. In addition, the in silico prediction for this alteration is inconclusive. Based on the available evidence, the clinical significance of this variant remains unclear.

NM_001903.5(CTNNA1):c.2166T>G (p.Ile722Met)

Gene: CTNNA1 (catenin alpha 1; plus strand). Cytogenetic location: 5q31.2.
Variant type: single nucleotide variant.
Coding change: c.2166T>G on transcript NM_001903.5 (MANE Select); coding-DNA position 2166, T replaced by G.
Protein change: p.Ile722Met; replaces isoleucine 722 with methionine.
Molecular consequence: missense variant.
Genome position (GRCh38, 1-based): chr5:138,930,628, T>G. VCF-style: chr5-138930628-T-G. GRCh37 (hg19) VCF-style: chr5-138266317-T-G.
Other names: c.2166T>G, p.Ile722Met (NM_001290307.3, NM_001323982.2, NM_001323983.1 and 2 more transcripts); c.1857T>G, p.Ile619Met (NM_001290309.3); c.1797T>G, p.Ile599Met (NM_001290310.3); c.1056T>G, p.Ile352Met (NM_001290312.1, NM_001323987.1, NM_001323988.1 and 17 more transcripts); c.2073T>G, p.Ile691Met (NM_001323986.2); c.717T>G, p.Ile239Met (NM_001324006.1, NM_001324007.1, NM_001324008.1 and 2 more transcripts); c.963T>G, p.Ile321Met (NM_001324011.1); c.813T>G, p.Ile271Met (NM_001324012.1, NM_001324013.1); short protein forms I271M, I352M, I599M, I239M, I619M, I691M, I321M, I722M.
Identifiers: ClinVar variation 4635582 (VCV004635582.1).